The following is an entry in ClinVar:

NM_144687.4(NLRP12):c.2266A>T (p.Ser756Cys)

Gene: NLRP12 (NLR family pyrin domain containing 12; minus strand). Cytogenetic location: 19q13.42.
Variant type: single nucleotide variant.
Coding change: c.2266A>T on transcript NM_144687.4 (MANE Select); coding-DNA position 2266, A replaced by T.
Protein change: p.Ser756Cys; replaces serine 756 with cysteine.
Molecular consequence: missense variant.
Genome position (GRCh38, 1-based): chr19:53,805,428, T>A on the plus strand (A>T on the coding strand, the complement: NLRP12 is on the minus strand). VCF-style: chr19-53805428-T-A. GRCh37 (hg19) VCF-style: chr19-54308682-T-A.
Other names: c.2269A>T, p.Ser757Cys (NM_001277126.2); c.2266A>T, p.Ser756Cys (NM_001277129.1); short protein forms S756C, S757C.
Identifiers: ClinVar variation 4699325 (VCV004699325.1).

ClinVar aggregate classification (germline): Uncertain significance (1 of 4 stars; one submission).

Conditions:
Familial cold autoinflammatory syndrome 2 (FCAS2). Identifiers: Orphanet 247868, MedGen C2673198, MONDO:0012724, OMIM 611762.

gnomAD v4.1: 3 of 1,613,734 alleles (0.00019%); highest among the groups gnomAD compares: Non-Finnish European, 0.00025%; no homozygotes.

Submission:

Labcorp Genetics (formerly Invitae), Labcorp
Classification: Uncertain significance for Familial cold autoinflammatory syndrome 2. Last evaluated: 2025-07-09. Review status: criteria provided, single submitter. Criteria: Invitae Variant Classification Sherloc (09022015). Collection method: clinical testing. Allele origin: germline.
Comment: This sequence change replaces serine, which is neutral and polar, with cysteine, which is neutral and slightly polar, at codon 756 of the NLRP12 protein (p.Ser756Cys). This variant is not present in population databases (gnomAD no frequency). This variant has not been reported in the literature in individuals affected with NLRP12-related conditions. Invitae Evidence Modeling of protein sequence and biophysical properties (such as structural, functional, and spatial information, amino acid conservation, physicochemical variation, residue mobility, and thermodynamic stability) indicates that this missense variant is not expected to disrupt NLRP12 protein function with a negative predictive value of 80%. In summary, the available evidence is currently insufficient to determine the role of this variant in disease. Therefore, it has been classified as a Variant of Uncertain Significance.